The following is an entry in ClinVar:

ClinVar aggregate classification (germline): Uncertain significance (1 of 4 stars; one submission).

Allele frequency attached by ClinVar (database versions not stated): gnomAD exomes below 0.00001.
gnomAD v4.1: 1 of 1,614,188 alleles (0.000062%); highest among the groups gnomAD compares: Non-Finnish European, 0.000085%; no homozygotes.

Submission:

Labcorp Genetics (formerly Invitae), Labcorp
Classification: Uncertain significance. Last evaluated: 2021-10-10. Review status: criteria provided, single submitter. Criteria: Invitae Variant Classification Sherloc (09022015). Collection method: clinical testing. Allele origin: germline.
Comment: In summary, the available evidence is currently insufficient to determine the role of this variant in disease. Therefore, it has been classified as a Variant of Uncertain Significance. Experimental studies and prediction algorithms are not available or were not evaluated, and the functional significance of this variant is currently unknown. This variant has not been reported in the literature in individuals affected with ARMC9-related conditions. This variant is not present in population databases (ExAC no frequency). This sequence change replaces aspartic acid with glycine at codon 67 of the ARMC9 protein (p.Asp67Gly). The aspartic acid residue is moderately conserved and there is a moderate physicochemical difference between aspartic acid and glycine.

NM_001352754.2(ARMC9):c.200A>G (p.Asp67Gly)

Gene: ARMC9 (armadillo repeat containing 9; plus strand). Cytogenetic location: 2q37.1.
Variant type: single nucleotide variant.
Coding change: c.200A>G on transcript NM_001352754.2 (MANE Select); coding-DNA position 200, A replaced by G.
Protein change: p.Asp67Gly; replaces aspartic acid 67 with glycine.
Molecular consequence: missense variant. On other transcripts: non-coding transcript variant (1).
Genome position (GRCh38, 1-based): chr2:231,214,853, A>G. VCF-style: chr2-231214853-A-G. GRCh37 (hg19) VCF-style: chr2-232079566-A-G.
Other names: c.200A>G, p.Asp67Gly (NM_001271466.4, NM_001291656.2, NM_001352755.2 and 5 more transcripts); short protein forms D67G.
Identifiers: ClinVar variation 1385856 (VCV001385856.6), dbSNP rs2125321079, ClinGen allele CA350945872.